The following is an entry in ClinVar:

ClinVar aggregate classification (germline): Uncertain significance (1 of 4 stars; one submission).

Conditions:
Emery-Dreifuss muscular dystrophy 4, autosomal dominant (EDMD4). Also called: EMERY-DREIFUSS MUSCULAR DYSTROPHY 4 WITH VARIABLE FEATURES. Identifiers: Orphanet 261, MedGen C2751807, MONDO:0013071, OMIM 612998.
Autosomal recessive ataxia, Beauce type. Also called: SYNE1-Related Autosomal Recessive Cerebellar Ataxia; SYNE1 Deficiency; Spinocerebellar ataxia, autosomal recessive 8; ATAXIA, RECESSIVE, OF BEAUCE. Identifiers: Orphanet 88644, MedGen C1853116, MONDO:0012549, OMIM 610743.

Allele frequency attached by ClinVar (database versions not stated): gnomAD exomes below 0.00001.
gnomAD v4.1: 2 of 1,613,548 alleles (0.00012%); highest among the groups gnomAD compares: East Asian, 0.0022%; no homozygotes.

Submission:

Labcorp Genetics (formerly Invitae), Labcorp
Classification: Uncertain significance for Emery-Dreifuss muscular dystrophy 4, autosomal dominant; Autosomal recessive ataxia, Beauce type. Last evaluated: 2022-07-30. Review status: criteria provided, single submitter. Criteria: Invitae Variant Classification Sherloc (09022015). Collection method: clinical testing. Allele origin: germline.
Comment: This sequence change replaces glutamic acid, which is acidic and polar, with alanine, which is neutral and non-polar, at codon 100 of the SYNE1 protein (p.Glu100Ala). This variant is not present in population databases (gnomAD no frequency). This variant has not been reported in the literature in individuals affected with SYNE1-related conditions. Algorithms developed to predict the effect of missense changes on protein structure and function are either unavailable or do not agree on the potential impact of this missense change (SIFT: "Deleterious"; PolyPhen-2: "Benign"; Align-GVGD: "Class C0"). In summary, the available evidence is currently insufficient to determine the role of this variant in disease. Therefore, it has been classified as a Variant of Uncertain Significance.

NM_182961.4(SYNE1):c.299A>C (p.Glu100Ala)

Gene: SYNE1 (spectrin repeat containing nuclear envelope protein 1; minus strand). Cytogenetic location: 6q25.2.
Variant type: single nucleotide variant.
Coding change: c.299A>C on transcript NM_182961.4 (MANE Select); coding-DNA position 299, A replaced by C.
Protein change: p.Glu100Ala; replaces glutamic acid 100 with alanine.
Molecular consequence: missense variant.
Genome position (GRCh38, 1-based): chr6:152,520,469, T>G on the plus strand (A>C on the coding strand, the complement: SYNE1 is on the minus strand). VCF-style: chr6-152520469-T-G. GRCh37 (hg19) VCF-style: chr6-152841604-T-G.
Other names: c.299A>C, p.Glu100Ala (NM_033071.5); short protein forms E100A.
Identifiers: ClinVar variation 1714476 (VCV001714476.5), dbSNP rs2509783186, ClinGen allele CA366110068.